The following is an entry in ClinVar:

ClinVar aggregate classification (germline): Uncertain significance (1 of 4 stars; one submission).

Conditions:
Familial adenomatous polyposis 1 (FAP1). Also called: FAMILIAL ADENOMATOUS POLYPOSIS 1, ATTENUATED; POLYPOSIS, ADENOMATOUS INTESTINAL. Identifiers: MedGen C2713442, MONDO:0021056, OMIM 175100. Disease mechanism: loss of function.

gnomAD v4.1: 9 of 791,668 alleles (0.0011%); highest among the groups gnomAD compares: South Asian, 0.0033%; no homozygotes.

Submission:

Labcorp Genetics (formerly Invitae), Labcorp
Classification: Uncertain significance for Familial adenomatous polyposis 1. Last evaluated: 2023-04-25. Review status: criteria provided, single submitter. Criteria: Invitae Variant Classification Sherloc (09022015). Collection method: clinical testing. Allele origin: germline.
Comment: In summary, the available evidence is currently insufficient to determine the role of this variant in disease. Therefore, it has been classified as a Variant of Uncertain Significance. Experimental studies and prediction algorithms are not available or were not evaluated, and the functional significance of this variant is currently unknown. This variant has not been reported in the literature in individuals affected with APC-related conditions. This variant is not present in population databases (gnomAD no frequency). This variant occurs in a non-coding region of the APC gene. It does not change the encoded amino acid sequence of the APC protein.

NM_001127511.3(APC):c.-148A>G

Gene: APC (APC regulator of Wnt signaling pathway; plus strand). Cytogenetic location: 5q22.2.
Variant type: single nucleotide variant.
Coding change: c.-148A>G on transcript NM_001127511.3; 148 bases upstream of the start codon, A replaced by G.
Molecular consequence: 5 prime UTR variant. On other transcripts: non-coding transcript variant (2).
Genome position (GRCh38, 1-based): chr5:112,707,570, A>G. VCF-style: chr5-112707570-A-G. GRCh37 (hg19) VCF-style: chr5-112043267-A-G.
Other names: c.-122A>G (NM_001407453.1); c.-331A>G (NM_001407456.1, NM_001407460.1, NM_001407469.1 and 3 more transcripts); c.-98A>G (NM_001407457.1, NM_001407458.1, NM_001407448.1 and 1 more transcripts); c.-1366A>G (NM_001407470.1, NM_001407472.1); c.-148A>G (NM_001354897.2, NM_001354902.2, NM_001407446.1).
Identifiers: ClinVar variation 1043969 (VCV001043969.9), dbSNP rs953056092, ClinGen allele CA1573442460.